The following is an entry in ClinVar:

ClinVar aggregate classification (germline): Likely benign (0 of 4 stars; one submission).

Conditions:
MGAM-related disorder. Also called: MGAM-related condition.

gnomAD v4.1: 3 of 1,613,876 alleles (0.00019%); highest among the groups gnomAD compares: Non-Finnish European, 0.00025%; no homozygotes.

Submission:

PreventionGenetics, part of Exact Sciences
Classification: Likely benign for MGAM-related condition. Last evaluated: 2022-02-23. Review status: no assertion criteria provided. Collection method: clinical testing. Allele origin: germline.
Comment: This variant is classified as likely benign based on ACMG/AMP sequence variant interpretation guidelines (Richards et al. 2015 PMID: 25741868, with internal and published modifications).

NM_001365693.1(MGAM):c.3004C>T (p.Leu1002=)

Gene: MGAM (maltase-glucoamylase; plus strand). Cytogenetic location: 7q34.
Variant type: single nucleotide variant.
Coding change: c.3004C>T on transcript NM_001365693.1 (MANE Select); coding-DNA position 3004, C replaced by T.
Protein change: p.Leu1002=; no amino-acid change (leucine 1002 retained).
Molecular consequence: synonymous variant.
Genome position (GRCh38, 1-based): chr7:142,052,829, C>T. VCF-style: chr7-142052829-C-T. GRCh37 (hg19) VCF-style: chr7-141752629-C-T.
Other names: c.3004C>T, p.Leu1002= (NM_004668.3).
Identifiers: ClinVar variation 3029313 (VCV003029313.2), dbSNP rs779588141, ClinGen allele CA2685288773.